The following is an entry in ClinVar:

NM_152594.3(SPRED1):c.560A>G (p.Tyr187Cys)

Gene: SPRED1 (sprouty related EVH1 domain containing 1; plus strand). Cytogenetic location: 15q14.
Variant type: single nucleotide variant.
Coding change: c.560A>G on transcript NM_152594.3 (MANE Select); coding-DNA position 560, A replaced by G.
Protein change: p.Tyr187Cys; replaces tyrosine 187 with cysteine.
Molecular consequence: missense variant.
Genome position (GRCh38, 1-based): chr15:38,339,873, A>G. VCF-style: chr15-38339873-A-G. GRCh37 (hg19) VCF-style: chr15-38632074-A-G.
Other names: short protein forms Y187C.
Identifiers: ClinVar variation 3603725 (VCV003603725.2).
Genomic context (GRCh38, chr15:38,339,873, plus strand): 5'-CTTATAGAAGCTCAAATATAAGACCTTCTCCCTTTGAAGATCTGAATGCCAGAAGAGTCT[A>G]CATGCAAAGCCAAGCCAATCAGGTAAGAAGATAAAATATTTTTTCGGCGCGTTGTTTATA-3'
Protein context (NP_689807.1, residues 177-197): PFEDLNARRV[Tyr187Cys]MQSQANQITF

ClinVar aggregate classification (germline): Uncertain significance (1 of 4 stars; one submission).

Conditions:
Legius syndrome. Identifiers: Orphanet 137605, MedGen C1969623, MONDO:0012669, OMIM 611431. Disease mechanism: loss of function.

gnomAD v4.1: 18 of 1,613,844 alleles (0.0011%); highest among the groups gnomAD compares: Non-Finnish European, 0.0013%; no homozygotes.

Submission:

Labcorp Genetics (formerly Invitae), Labcorp
Classification: Uncertain significance for Legius syndrome. Last evaluated: 2024-11-07. Review status: criteria provided, single submitter. Criteria: Invitae Variant Classification Sherloc (09022015). Collection method: clinical testing. Allele origin: germline.
Comment: This sequence change replaces tyrosine, which is neutral and polar, with cysteine, which is neutral and slightly polar, at codon 187 of the SPRED1 protein (p.Tyr187Cys). This variant is present in population databases (rs764135694, gnomAD 0.009%). This variant has not been reported in the literature in individuals affected with SPRED1-related conditions. Invitae Evidence Modeling incorporating data from in vitro experimental studies (internal data) indicates that this missense variant is not expected to disrupt SPRED1 function with a negative predictive value of 95%. In summary, the available evidence is currently insufficient to determine the role of this variant in disease. Therefore, it has been classified as a Variant of Uncertain Significance.